The following is an entry in ClinVar:

ClinVar aggregate classification (germline): Pathogenic (1 of 4 stars; one submission).

Conditions:
Neurofibromatosis, type 1 (NF1). Also called: VON RECKLINGHAUSEN DISEASE; NEUROFIBROMATOSIS, TYPE I, SOMATIC; Peripheral type neurofibromatosis; Neurofibromatosis, type I. Identifiers: Orphanet 636, MedGen C0027831, MONDO:0018975, OMIM 162200. Disease mechanism: loss of function.

Submission:

Labcorp Genetics (formerly Invitae), Labcorp
Classification: Pathogenic for Neurofibromatosis, type 1. Last evaluated: 2018-10-18. Review status: criteria provided, single submitter. Criteria: Invitae Variant Classification Sherloc (09022015). Collection method: clinical testing. Allele origin: germline.
Comment: For these reasons, this variant has been classified as Pathogenic. Loss-of-function variants in NF1 are known to be pathogenic (PMID: 10712197, 23913538). This variant has not been reported in the literature in individuals with NF1-related disease. This variant is not present in population databases (ExAC no frequency). This sequence change creates a premature translational stop signal (p.Cys1063Metfs*26) in the NF1 gene. It is expected to result in an absent or disrupted protein product.

Literature cited by the submitters: PubMed 10712197; PubMed 23913538.

NM_001042492.3(NF1):c.3186dup (p.Cys1063fs)

Gene: NF1 (neurofibromin 1; plus strand). Cytogenetic location: 17q11.2.
Variant type: Duplication.
Coding change: c.3186dup on transcript NM_001042492.3 (MANE Select); coding-DNA position 3186, one base duplicated (A; older notation c.3186dupA).
Protein change: p.Cys1063fs; shifts the reading frame from cysteine 1063.
Molecular consequence: frameshift variant.
Genome position (GRCh38, 1-based): chr17:31,230,914, A duplicated; the last of 4 consecutive A bases (chr17:31,230,911-31,230,914); duplicating any one gives the same sequence. VCF-style (leftmost placement, unchanged base first): chr17-31230910-T-TA. GRCh37 (hg19) VCF-style: chr17-29557928-T-TA.
Other names: c.3186dupA (NM_000267.3); c.3186dup, p.Cys1063Metfs (NM_000267.4); short protein forms C1063fs.
Identifiers: ClinVar variation 653648 (VCV000653648.5), dbSNP rs1597717672, ClinGen allele CA915949854.